The following is an entry in ClinVar:

ClinVar aggregate classification (germline): Pathogenic (1 of 4 stars; one submission).

Submission:

Labcorp Genetics (formerly Invitae), Labcorp
Classification: Pathogenic. Last evaluated: 2025-12-24. Review status: criteria provided, single submitter. Criteria: Invitae Variant Classification Sherloc (09022015). Collection method: clinical testing. Allele origin: germline.
Comment: This sequence change creates a premature translational stop signal (p.Val2003Glyfs*46) in the SZT2 gene. It is expected to result in an absent or disrupted protein product. Loss-of-function variants in SZT2 are known to be pathogenic (PMID: 23932106, 27248490, 28556953). This variant is present in population databases (rs772418993, gnomAD 0.007%). This variant has not been reported in the literature in individuals affected with SZT2-related conditions. ClinVar contains an entry for this variant (Variation ID: 1961111). For these reasons, this variant has been classified as Pathogenic.

Literature cited by the submitters: PubMed 23932106; PubMed 27248490; PubMed 28556953.

NM_001365999.1(SZT2):c.6178dup (p.Val2060fs)

Gene: SZT2 (SZT2 subunit of KICSTOR complex; plus strand). Cytogenetic location: 1p34.2.
Variant type: Duplication.
Coding change: c.6178dup on transcript NM_001365999.1 (MANE Select); coding-DNA position 6178, one base duplicated (G; older notation c.6178dupG).
Protein change: p.Val2060fs; shifts the reading frame from valine 2060.
Molecular consequence: frameshift variant.
Genome position (GRCh38, 1-based): chr1:43,437,314, G duplicated; the last of 5 consecutive G bases (chr1:43,437,310-43,437,314); duplicating any one gives the same sequence. VCF-style (leftmost placement, unchanged base first): chr1-43437309-T-TG. GRCh37 (hg19) VCF-style: chr1-43902980-T-TG.
Other names: c.6007dup, p.Val2003fs (NM_015284.4); short protein forms V2060fs, V2003fs.
Identifiers: ClinVar variation 1961111 (VCV001961111.5), dbSNP rs772418993, ClinGen allele CA809803.